The following is an entry in ClinVar:

ClinVar aggregate classification (germline): Benign/Likely benign. Review status: criteria provided, multiple submitters, no conflicts (2 of 4 stars). 2 submissions from 2 submitters: Benign (1); Likely benign (1). Last evaluated 2025-06-02.

gnomAD v4.1: 59,605 of 1,614,138 alleles (3.7%); highest among the groups gnomAD compares: Non-Finnish European, 4.4%; 1,253 homozygotes.

Submissions (2):

Women's Health and Genetics/Laboratory Corporation of America, LabCorp
Classification: Likely benign. Last evaluated: 2025-06-02. Review status: criteria provided, single submitter. Criteria: LabCorp Variant Classification Summary - May 2015. Collection method: clinical testing. Allele origin: germline.

Mayo Clinic Laboratories, Mayo Clinic
Classification: Benign. Last evaluated: 2023-09-14. Review status: criteria provided, single submitter. Criteria: ACMG Guidelines, 2015. Collection method: clinical testing. Allele origin: germline. Observed: 6 variant alleles.
Comment: BS1, BS2, BP4

NM_006074.5(TRIM22):c.962G>A (p.Arg321Lys)

Gene: TRIM22 (tripartite motif containing 22; plus strand). Cytogenetic location: 11p15.4.
Variant type: single nucleotide variant.
Coding change: c.962G>A on transcript NM_006074.5 (MANE Select); coding-DNA position 962, G replaced by A.
Protein change: p.Arg321Lys; replaces arginine 321 with lysine.
Molecular consequence: missense variant.
Genome position (GRCh38, 1-based): chr11:5,709,113, G>A. VCF-style: chr11-5709113-G-A. GRCh37 (hg19) VCF-style: chr11-5730343-G-A.
Other names: p.Arg321Lys; c.950G>A, p.Arg317Lys (NM_001199573.2); short protein forms R317K, R321K.
Identifiers: ClinVar variation 3907467 (VCV003907467.2).